The following is an entry in ClinVar:

ClinVar aggregate classification (germline): Uncertain significance (1 of 4 stars; one submission).

Conditions:
Congenital myopathy with internal nuclei and atypical cores. Also called: Myopathy, centronuclear, 4. Identifiers: Orphanet 319160, MedGen C4707232, MONDO:0013890, OMIM 614807.

Allele frequency attached by ClinVar (database versions not stated): ExAC 0.00001; gnomAD 0.00001; gnomAD exomes 0.00001; TOPMed 0.00002; ESP Exome Variant Server 0.00008.

Submission:

Labcorp Genetics (formerly Invitae), Labcorp
Classification: Uncertain significance for Congenital myopathy with internal nuclei and atypical cores. Last evaluated: 2025-07-21. Review status: criteria provided, single submitter. Criteria: Invitae Variant Classification Sherloc (09022015). Collection method: clinical testing. Allele origin: germline.
Comment: This sequence change replaces glutamine, which is neutral and polar, with arginine, which is basic and polar, at codon 351 of the CCDC78 protein (p.Gln351Arg). The frequency data for this variant in the population databases is considered unreliable, as metrics indicate poor data quality at this position in the gnomAD database. This variant has not been reported in the literature in individuals affected with CCDC78-related conditions. ClinVar contains an entry for this variant (Variation ID: 1491006). An algorithm developed to predict the effect of missense changes on protein structure and function outputs the following: PolyPhen-2: "Benign". The arginine amino acid residue is found in multiple mammalian species, which suggests that this missense change does not adversely affect protein function. Algorithms developed to predict the effect of sequence changes on RNA splicing suggest that this variant may disrupt the consensus splice site. In summary, the available evidence is currently insufficient to determine the role of this variant in disease. Therefore, it has been classified as a Variant of Uncertain Significance.

NM_001378030.1(CCDC78):c.1052A>G (p.Gln351Arg)

Gene: CCDC78 (coiled-coil domain containing 78; minus strand). Cytogenetic location: 16p13.3.
Variant type: single nucleotide variant.
Coding change: c.1052A>G on transcript NM_001378030.1 (MANE Select); coding-DNA position 1052, A replaced by G.
Protein change: p.Gln351Arg; replaces glutamine 351 with arginine.
Molecular consequence: missense variant. On other transcripts: non-coding transcript variant (5), intron variant (1).
Genome position (GRCh38, 1-based): chr16:724,107, T>C on the plus strand (A>G on the coding strand, the complement: CCDC78 is on the minus strand). VCF-style: chr16-724107-T-C. GRCh37 (hg19) VCF-style: chr16-774107-T-C.
Other names: c.1052A>G, p.Gln351Arg (NM_001031737.3); c.485A>G, p.Gln162Arg (NM_001378033.1); c.953+215A>G (NM_001378031.1); short protein forms Q162R, Q351R.
Identifiers: ClinVar variation 1491006 (VCV001491006.8), dbSNP rs371921917, ClinGen allele CA7789299.